The following is an entry in ClinVar:

NM_201253.3(CRB1):c.535C>T (p.Gln179Ter)

Gene: CRB1 (crumbs cell polarity complex component 1; plus strand). Cytogenetic location: 1q31.3.
Variant type: single nucleotide variant.
Coding change: c.535C>T on transcript NM_201253.3 (MANE Select); coding-DNA position 535, C replaced by T.
Protein change: p.Gln179Ter; replaces glutamine 179 with a stop codon.
Molecular consequence: nonsense. On other transcripts: non-coding transcript variant (2).
Genome position (GRCh38, 1-based): chr1:197,328,886, C>T. VCF-style: chr1-197328886-C-T. GRCh37 (hg19) VCF-style: chr1-197298016-C-T.
Other names: c.535C>T, p.Gln179Ter (NM_001193640.2, NM_001257966.2); c.328C>T, p.Gln110Ter (NM_001257965.2); short protein forms Q179*, Q110*.
Identifiers: ClinVar variation 2932904 (VCV002932904.3), dbSNP rs1658690599, ClinGen allele CA344085985.

ClinVar aggregate classification (germline): Pathogenic (1 of 4 stars; one submission).

Conditions:
Retinitis pigmentosa 12 (RP12). Also called: RP WITH OR WITHOUT PRESERVED PARAARTERIOLE RETINAL PIGMENT EPITHELIUM; RETINITIS PIGMENTOSA WITH OR WITHOUT PARAARTERIOLAR PRESERVATION OF RETINAL PIGMENT EPITHELIUM; RP WITH OR WITHOUT PPRPE. Identifiers: Orphanet 791, MedGen C1838647, MONDO:0010818, OMIM 600105.
Leber congenital amaurosis 8 (LCA8). Identifiers: Orphanet 65, MedGen C3151202, MONDO:0013453, OMIM 613835.

Submission:

Labcorp Genetics (formerly Invitae), Labcorp
Classification: Pathogenic for Leber congenital amaurosis 8; Retinitis pigmentosa 12. Last evaluated: 2023-06-03. Review status: criteria provided, single submitter. Criteria: Invitae Variant Classification Sherloc (09022015). Collection method: clinical testing. Allele origin: germline.
Comment: For these reasons, this variant has been classified as Pathogenic. This variant has not been reported in the literature in individuals affected with CRB1-related conditions. This variant is not present in population databases (gnomAD no frequency). This sequence change creates a premature translational stop signal (p.Gln179*) in the CRB1 gene. It is expected to result in an absent or disrupted protein product. Loss-of-function variants in CRB1 are known to be pathogenic (PMID: 10508521, 22065545, 23379534, 25412400, 26957898, 28041643, 29391521).

Literature cited by the submitters: PubMed 10508521; PubMed 22065545; PubMed 23379534; PubMed 25412400; PubMed 26957898; PubMed 28041643; PubMed 29391521.